The following is an entry in ClinVar:

NM_000153.4(GALC):c.1665C>G (p.Tyr555Ter)

Gene: GALC (galactosylceramidase; minus strand). Cytogenetic location: 14q31.3.
Variant type: single nucleotide variant.
Coding change: c.1665C>G on transcript NM_000153.4 (MANE Select); coding-DNA position 1665, C replaced by G.
Protein change: p.Tyr555Ter; replaces tyrosine 555 with a stop codon.
Molecular consequence: nonsense.
Genome position (GRCh38, 1-based): chr14:87,945,558, G>C on the plus strand (C>G on the coding strand, the complement: GALC is on the minus strand). VCF-style: chr14-87945558-G-C. GRCh37 (hg19) VCF-style: chr14-88411902-G-C.
Other names: c.1596C>G, p.Tyr532Ter (NM_001201401.2); c.1587C>G, p.Tyr529Ter (NM_001201402.2); short protein forms Y555*, Y529*, Y532*.
Identifiers: ClinVar variation 593833 (VCV000593833.6), dbSNP rs1566972341, ClinGen allele CA390745957.
Genomic context (GRCh38, chr14:87,945,558, plus strand): 5'-TGACAATATTACAAGGGTATTTCAGCCAGATCCACATTGAGAACATCAATCTTACCAGTT[G>C]TAGTCTCCTATAATACTGATTGTGTTGGATGCATCGGCAGCCCATGTAATGGGTCTCTGG-3'

ClinVar aggregate classification (germline): Pathogenic. Review status: criteria provided, multiple submitters, no conflicts (2 of 4 stars). 2 submissions from 2 submitters: Pathogenic (2). Last evaluated 2024-05-08.

Conditions:
Galactosylceramide beta-galactosidase deficiency. Also called: Leukodystrophy, Globoid Cell; Krabbe Disease; GALACTOCEREBROSIDASE DEFICIENCY; GALC DEFICIENCY; GLOBOID CELL LEUKOENCEPHALOPATHY. Identifiers: Orphanet 487, MedGen C0023521, MONDO:0009499, OMIM 245200.

gnomAD v4.1: 1 of 1,592,860 alleles (0.000063%); highest among the groups gnomAD compares: Non-Finnish European, 0.000086%; no homozygotes.

Submissions (2):

Myriad Genetics, Inc.
Classification: Pathogenic for Galactosylceramide beta-galactosidase deficiency. Last evaluated: 2024-05-08. Review status: criteria provided, single submitter. Criteria: Myriad Autosomal Dominant, Autosomal Recessive and X-Linked Classification Criteria (2023). Collection method: clinical testing. Allele origin: unknown.
Comment: NM_000153.3(GALC):c.1665C>G(Y555*) is expected to be pathogenic in the context of Krabbe disease. This variant is predicted to lead to an abnormal or absent protein product due to the creation of a premature termination codon in GALC, a gene where loss-of-function variants are known to be pathogenic. Please note: this variant was assessed in the context of healthy population screening.

Eurofins Ntd Llc (ga)
Classification: Pathogenic. Last evaluated: 2017-08-30. Review status: criteria provided, single submitter. Criteria: EGL Classification Definitions 2015. Collection method: clinical testing. Allele origin: germline. Observed: 1 variant allele, 1 heterozygote.